The following is an entry in ClinVar:

ClinVar aggregate classification (germline): Pathogenic (1 of 4 stars; one submission).

Allele frequency attached by ClinVar (database versions not stated): gnomAD exomes below 0.00001.

Submission:

Labcorp Genetics (formerly Invitae), Labcorp
Classification: Pathogenic. Last evaluated: 2023-07-17. Review status: criteria provided, single submitter. Criteria: Invitae Variant Classification Sherloc (09022015). Collection method: clinical testing. Allele origin: germline.
Comment: For these reasons, this variant has been classified as Pathogenic. This variant has not been reported in the literature in individuals affected with COL4A2-related conditions. This variant is not present in population databases (gnomAD no frequency). This sequence change creates a premature translational stop signal (p.Met816Cysfs*4) in the COL4A2 gene. It is expected to result in an absent or disrupted protein product. Loss-of-function variants in COL4A2 are known to be pathogenic (PMID: 22333902, 30315939).

Literature cited by the submitters: PubMed 22333902; PubMed 30315939.

NM_001846.4(COL4A2):c.2446del (p.Met816fs)

Gene: COL4A2 (collagen type IV alpha 2 chain; plus strand). Cytogenetic location: 13q34.
Variant type: Deletion.
Coding change: c.2446del on transcript NM_001846.4 (MANE Select); coding-DNA position 2446, one base deleted (A; older notation c.2446delA).
Protein change: p.Met816fs; shifts the reading frame from methionine 816.
Molecular consequence: frameshift variant.
Genome position (GRCh38, 1-based): chr13:110,478,023, A deleted. VCF-style (leftmost placement, unchanged base first): chr13-110478022-GA-G. GRCh37 (hg19) VCF-style: chr13-111130369-GA-G.
Other names: short protein forms M816fs.
Identifiers: ClinVar variation 2844624 (VCV002844624.3), dbSNP rs2502153476, ClinGen allele CA2623691106.